The following is an entry in ClinVar:

NM_206933.4(USH2A):c.6269T>G (p.Leu2090Ter)

Gene: USH2A (usherin; minus strand). Cytogenetic location: 1q41.
Variant type: single nucleotide variant.
Coding change: c.6269T>G on transcript NM_206933.4 (MANE Select); coding-DNA position 6269, T replaced by G.
Protein change: p.Leu2090Ter; replaces leucine 2090 with a stop codon.
Molecular consequence: nonsense.
Genome position (GRCh38, 1-based): chr1:216,046,487, A>C on the plus strand (T>G on the coding strand, the complement: USH2A is on the minus strand). VCF-style: chr1-216046487-A-C. GRCh37 (hg19) VCF-style: chr1-216219829-A-C.
Other names: short protein forms L2090*.
Identifiers: ClinVar variation 2679473 (VCV002679473.2), dbSNP rs2527720294, ClinGen allele CA344858799.

ClinVar aggregate classification (germline): Pathogenic/Likely pathogenic. Review status: criteria provided, multiple submitters, no conflicts (2 of 4 stars). 2 submissions from 2 submitters: Pathogenic (1); Likely pathogenic (1). Last evaluated 2024-12-22.

Conditions:
Retinitis pigmentosa 39 (RP39). Identifiers: Orphanet 791, MedGen C3151138, MONDO:0013436, OMIM 613809.
USH2A-related disorder. Also called: USH2A-related disorders; USH2A-related condition. Identifiers: MedGen CN239332.

Allele frequency attached by ClinVar (database versions not stated): gnomAD exomes below 0.00001.
gnomAD v4.1: 1 of 1,613,864 alleles (0.000062%); highest among the groups gnomAD compares: Non-Finnish European, 0.000085%; no homozygotes.

Submissions (2):

Myriad Genetics, Inc.
Classification: Pathogenic for USH2A-related disorder. Last evaluated: 2024-12-22. Review status: criteria provided, single submitter. Criteria: Myriad Autosomal Dominant, Autosomal Recessive and X-Linked Classification Criteria (2023). Collection method: clinical testing. Allele origin: unknown.
Comment: NM_206933.2(USH2A):c.6269T>G(L2090*) is expected to be pathogenic in the context of USH2A-related disorders. This variant is predicted to lead to an abnormal or absent protein product due to the creation of a premature termination codon in USH2A, a gene where loss-of-function variants are known to be pathogenic. Please note: this variant was assessed in the context of healthy population screening.

Baylor Genetics
Classification: Likely pathogenic for Retinitis pigmentosa 39. Last evaluated: 2023-08-17. Review status: criteria provided, single submitter. Criteria: ACMG Guidelines, 2015. Collection method: clinical testing. Allele origin: unknown.